The following is an entry in ClinVar:

NM_152703.5(SAMD9L):c.4680G>C (p.Arg1560Ser)

Gene: SAMD9L (sterile alpha motif domain containing 9 like; minus strand). Cytogenetic location: 7q21.2.
Variant type: single nucleotide variant.
Coding change: c.4680G>C on transcript NM_152703.5 (MANE Select); coding-DNA position 4680, G replaced by C.
Protein change: p.Arg1560Ser; replaces arginine 1560 with serine.
Molecular consequence: missense variant.
Genome position (GRCh38, 1-based): chr7:93,131,292, C>G on the plus strand (G>C on the coding strand, the complement: SAMD9L is on the minus strand). VCF-style: chr7-93131292-C-G. GRCh37 (hg19) VCF-style: chr7-92760605-C-G.
Other names: c.4680G>C, p.Arg1560Ser (NM_001303496.3, NM_001303497.3, NM_001303498.3 and 5 more transcripts); short protein forms R1560S.
Identifiers: ClinVar variation 3792229 (VCV003792229.1).

ClinVar aggregate classification (germline): Uncertain significance (1 of 4 stars; one submission).

Conditions:
Inborn genetic diseases. Identifiers: MedGen C0950123, MeSH D030342.

Submission:

Ambry Genetics
Classification: Uncertain significance for Inborn genetic diseases. Last evaluated: 2024-12-20. Review status: criteria provided, single submitter. Criteria: Ambry Variant Classification Scheme 2023. Collection method: clinical testing. Allele origin: germline.
Comment: The p.R1560S variant (also known as c.4680G>C), located in coding exon 1 of the SAMD9L gene, results from a G to C substitution at nucleotide position 4680. The arginine at codon 1560 is replaced by serine, an amino acid with dissimilar properties. This amino acid position is conserved. In addition, this alteration is predicted to be tolerated by in silico analysis. Based on the available evidence, the clinical significance of this variant remains unclear.